The following is an entry in ClinVar:

ClinVar aggregate classification (germline): Conflicting classifications of pathogenicity. Review status: criteria provided, conflicting classifications (1 of 4 stars). 7 submissions from 5 submitters: Uncertain significance (6); Likely benign (1). Last evaluated 2026-03-17.

Conditions:
Inborn genetic diseases. Identifiers: MedGen C0950123, MeSH D030342.
Hereditary spastic paraplegia 11. Also called: Spastic Paraplegia 11; Spastic paraplegia, mental retardation and thin corpus callosum; Nakamura Osame syndrome; Autosomal recessive hereditary spastic paraplegia, mental impairment, and thin corpus callosum; SPASTIC PARAPLEGIA, AUTOSOMAL RECESSIVE, COMPLICATED, WITH THIN CORPUS CALLOSUM; SPASTIC PARAPLEGIA, AUTOSOMAL RECESSIVE, WITH MENTAL IMPAIRMENT AND THIN CORPUS CALLOSUM. Identifiers: Orphanet 2822, MedGen C1858479, MONDO:0011445, OMIM 604360.
Amyotrophic lateral sclerosis type 5 (ALS5). Also called: AMYOTROPHIC LATERAL SCLEROSIS 5, JUVENILE. Identifiers: Orphanet 300605, MedGen C1865864, MONDO:0011196, OMIM 602099.
Charcot-Marie-Tooth disease axonal type 2X. Also called: CHARCOT-MARIE-TOOTH DISEASE, AXONAL, AUTOSOMAL RECESSIVE, TYPE 2X; CHARCOT-MARIE-TOOTH NEUROPATHY, TYPE 2X. Identifiers: Orphanet 466775, MedGen C5569024, MONDO:0014726, OMIM 616668.

Allele frequency attached by ClinVar (database versions not stated): ESP Exome Variant Server 0.00015; 1000 Genomes Project 0.00020; TOPMed 0.00027; 1000 Genomes Project 30x 0.00031.
gnomAD v4.1: 61 of 1,614,074 alleles (0.0038%); highest among the groups gnomAD compares: African/African-American, 0.075%; no homozygotes.

Submissions (7):

Women's Health and Genetics/Laboratory Corporation of America, LabCorp
Classification: Uncertain significance. Last evaluated: 2026-03-17. Review status: criteria provided, single submitter. Criteria: LabCorp Variant Classification Summary - May 2015. Collection method: clinical testing. Allele origin: germline.
Comment: Variant summary: SPG11 c.4436G>A (p.Gly1479Asp) results in a non-conservative amino acid change in the encoded protein sequence. Algorithms developed to predict the effect of missense changes on protein structure and function are either unavailable or do not agree on the potential impact of this missense change. Consensus agreement among computation tools predict no significant impact on normal splicing. However, these predictions have yet to be confirmed by functional studies. The variant allele was found at a frequency of 3.6e-05 in 251134 control chromosomes. The available data on variant occurrences in the general population are insufficient to allow any conclusion about variant significance. To our knowledge, no occurrence of c.4436G>A in individuals affected with SPG11-related conditions and no experimental evidence demonstrating its impact on protein function have been reported. ClinVar contains an entry for this variant (Variation ID: 655136). Based on the evidence outlined above, the variant was classified as uncertain significance.

GeneDx
Classification: Uncertain significance. Last evaluated: 2025-01-07. Review status: criteria provided, single submitter. Criteria: GeneDx Variant Classification Process June 2021. Collection method: clinical testing. Allele origin: germline. Affected: yes.
Comment: In silico analysis indicates that this missense variant does not alter protein structure/function; Has not been previously published as pathogenic or benign to our knowledge; This variant is associated with the following publications: (PMID: 26556829)

Labcorp Genetics (formerly Invitae), Labcorp
Classification: Uncertain significance for Hereditary spastic paraplegia 11. Last evaluated: 2022-08-20. Review status: criteria provided, single submitter. Criteria: Invitae Variant Classification Sherloc (09022015). Collection method: clinical testing. Allele origin: germline.
Comment: This sequence change replaces glycine, which is neutral and non-polar, with aspartic acid, which is acidic and polar, at codon 1479 of the SPG11 protein (p.Gly1479Asp). This variant is present in population databases (rs374303102, gnomAD 0.08%). This variant has not been reported in the literature in individuals affected with SPG11-related conditions. ClinVar contains an entry for this variant (Variation ID: 655136). Algorithms developed to predict the effect of missense changes on protein structure and function output the following: SIFT: "Tolerated"; PolyPhen-2: "Benign"; Align-GVGD: "Class C0". The aspartic acid amino acid residue is found in multiple mammalian species, which suggests that this missense change does not adversely affect protein function. In summary, the available evidence is currently insufficient to determine the role of this variant in disease. Therefore, it has been classified as a Variant of Uncertain Significance.

Ambry Genetics
Classification: Likely benign for Inborn genetic diseases. Last evaluated: 2021-12-08. Review status: criteria provided, single submitter. Criteria: Ambry Variant Classification Scheme 2023. Collection method: clinical testing. Allele origin: germline.

Genome-Nilou Lab
Classification: Uncertain significance for Amyotrophic lateral sclerosis type 5. Review status: criteria provided, single submitter. Criteria: ACMG Guidelines, 2015. Collection method: clinical testing. Allele origin: germline.

Genome-Nilou Lab
Classification: Uncertain significance for Charcot-Marie-Tooth disease axonal type 2X. Review status: criteria provided, single submitter. Criteria: ACMG Guidelines, 2015. Collection method: clinical testing. Allele origin: germline.

Genome-Nilou Lab
Classification: Uncertain significance for Hereditary spastic paraplegia 11. Review status: criteria provided, single submitter. Criteria: ACMG Guidelines, 2015. Collection method: clinical testing. Allele origin: germline.

NM_025137.4(SPG11):c.4436G>A (p.Gly1479Asp)

Gene: SPG11 (SPG11 vesicle trafficking associated, spatacsin; minus strand). Cytogenetic location: 15q21.1.
Variant type: single nucleotide variant.
Coding change: c.4436G>A on transcript NM_025137.4 (MANE Select); coding-DNA position 4436, G replaced by A.
Protein change: p.Gly1479Asp; replaces glycine 1479 with aspartic acid.
Molecular consequence: missense variant.
Genome position (GRCh38, 1-based): chr15:44,595,458, C>T on the plus strand (G>A on the coding strand, the complement: SPG11 is on the minus strand). VCF-style: chr15-44595458-C-T. GRCh37 (hg19) VCF-style: chr15-44887656-C-T.
Other names: c.4436G>A, p.Gly1479Asp (NM_001160227.2); short protein forms G1479D.
Identifiers: ClinVar variation 655136 (VCV000655136.18), dbSNP rs374303102, ClinGen allele CA7534664.